The following is an entry in ClinVar:

ClinVar aggregate classification (germline): Likely benign (1 of 4 stars; one submission).

Conditions:
REEP6-related disorder. Also called: REEP6-related condition.

gnomAD v4.1: 103 of 1,462,954 alleles (0.007%); highest among the groups gnomAD compares: East Asian, 0.033%; no homozygotes.

Submission:

PreventionGenetics, part of Exact Sciences
Classification: Likely benign for REEP6-related condition. Last evaluated: 2026-04-20. Review status: criteria provided, single submitter. Criteria: ACMG Guidelines, 2015. Collection method: clinical testing. Allele origin: germline.
Comment: This variant is classified as likely benign based on ACMG/AMP sequence variant interpretation guidelines (Richards et al. 2015 PMID: 25741868, with internal and published modifications).

NM_138393.4(REEP6):c.-7C>T

Genes: REEP6 (receptor accessory protein 6; plus strand), LOC130062962 (ATAC-STARR-seq lymphoblastoid silent region 9723; plus strand). Cytogenetic location: 19p13.3.
Variant type: single nucleotide variant.
Coding change: c.-7C>T on transcript NM_138393.4 (MANE Select); 7 bases upstream of the start codon, C replaced by T.
Molecular consequence: 5 prime UTR variant.
Genome position (GRCh38, 1-based): chr19:1,491,263, C>T. VCF-style: chr19-1491263-C-T. GRCh37 (hg19) VCF-style: chr19-1491262-C-T.
Other names: c.-7C>T (NM_001329556.3).
Identifiers: ClinVar variation 4980451 (VCV004980451.1).